The following is an entry in ClinVar:

ClinVar aggregate classification (germline): other (0 of 4 stars; one submission).

Conditions:
Familial colorectal cancer. Identifiers: MedGen CN280943, MONDO:0023113. Disease mechanism: loss of function.

Submission:

Systems Biology Platform Zhejiang California International NanoSystems Institute
Classification: other for Familial colorectal cancer. Review status: no assertion criteria provided. Collection method: not provided. Allele origin: unknown.
ClinVar note: Converted during submission from cancer to other.

NM_000038.6(APC):c.834+4789A>C

Gene: APC (APC regulator of WNT signaling pathway; plus strand). Cytogenetic location: 5q22.2.
Variant type: single nucleotide variant.
Coding change: c.834+4789A>C on transcript NM_000038.6 (MANE Select); 4789 bases into the intron after coding-DNA position 834, A replaced by C.
Molecular consequence: intron variant.
Genome position (GRCh38, 1-based): chr5:112,806,172, A>C. VCF-style: chr5-112806172-A-C. GRCh37 (hg19) VCF-style: chr5-112141869-A-C.
Other names: c.834+4789A>C (NM_001354895.2, NM_001127510.3, NM_001354896.2 and 1 more transcripts); c.864+4789A>C (NM_001354897.2, NM_001354902.2); c.780+4789A>C (NM_001127511.3); c.759+4789A>C (NM_001354898.2, NM_001354904.2); c.-201-3954A>C (NM_001354906.2); c.750+4789A>C (NM_001354899.2); c.657+4789A>C (NM_001354900.2, NM_001354901.2, NM_001354905.2).
Identifiers: ClinVar variation 83062 (VCV000083062.2), dbSNP rs74798358, ClinGen allele CA014837.